The following is an entry in ClinVar:

ClinVar aggregate classification (germline): Uncertain significance. Review status: criteria provided, multiple submitters, no conflicts (2 of 4 stars). 2 submissions from 2 submitters: Uncertain significance (2). Last evaluated 2023-07-05.

Conditions:
Hereditary cancer-predisposing syndrome. Also called: Neoplastic Syndromes, Hereditary; Hereditary neoplastic syndrome; Tumor predisposition; Hereditary Cancer Syndrome. Identifiers: Orphanet 140162, MedGen C0027672, MeSH D009386, MONDO:0015356.
Familial cancer of breast. Also called: hereditary breast carcinoma; BREAST CANCER, FAMILIAL; Hereditary breast cancer. Identifiers: Orphanet 227535, MedGen C0346153, MONDO:0016419, OMIM 114480. Disease mechanism: loss of function.

Submissions (2):

Baylor Genetics
Classification: Uncertain significance for Familial cancer of breast. Last evaluated: 2023-07-05. Review status: criteria provided, single submitter. Criteria: ACMG Guidelines, 2015. Collection method: clinical testing. Allele origin: unknown.

Color Diagnostics, LLC DBA Color Health
Classification: Uncertain significance for Hereditary cancer-predisposing syndrome. Last evaluated: 2022-11-16. Review status: criteria provided, single submitter. Criteria: ACMG Guidelines, 2015. Collection method: clinical testing. Allele origin: germline.
Comment: This missense variant replaces arginine with leucine at codon 50 of the CDH1 protein. To our knowledge, functional studies have not been reported for this variant. This variant has not been reported in individuals affected with CDH1-related disorders in the literature. This variant has not been identified in the general population by the Genome Aggregation Database (gnomAD). The available evidence is insufficient to determine the role of this variant in disease conclusively. Therefore, this variant is classified as a Variant of Uncertain Significance.

NM_004360.5(CDH1):c.149G>T (p.Arg50Leu)

Gene: CDH1 (cadherin 1; plus strand). Cytogenetic location: 16q22.1.
Variant type: single nucleotide variant.
Coding change: c.149G>T on transcript NM_004360.5 (MANE Select); coding-DNA position 149, G replaced by T.
Protein change: p.Arg50Leu; replaces arginine 50 with leucine.
Molecular consequence: missense variant. On other transcripts: 5 prime UTR variant (2).
Genome position (GRCh38, 1-based): chr16:68,738,397, G>T. VCF-style: chr16-68738397-G-T. GRCh37 (hg19) VCF-style: chr16-68772300-G-T.
Other names: c.149G>T, p.Arg50Leu (NM_001317184.2); c.-1467G>T (NM_001317185.2); c.-1671G>T (NM_001317186.2); short protein forms R50L.
Identifiers: ClinVar variation 2680434 (VCV002680434.3), dbSNP rs2152114475, ClinGen allele CA396452283.
Genomic context (GRCh38, chr16:68,738,397, plus strand): 5'-CTGGCTTTGACGCCGAGAGCTACACGTTCACGGTGCCCCGGCGCCACCTGGAGAGAGGCC[G>T]CGTCCTGGGCAGAGGTGAGGGCGCGCTGCCGGTGTCCCTGGGCGGAGTAGGGAGGGGTTG-3'
Protein context (NP_004351.1, residues 40-60): TVPRRHLERG[Arg50Leu]VLGRVNFEDC